The following is an entry in ClinVar:

NM_000371.4(TTR):c.336+5G>T

Gene: TTR (transthyretin; plus strand). Cytogenetic location: 18q12.1.
Variant type: single nucleotide variant.
Coding change: c.336+5G>T on transcript NM_000371.4 (MANE Select); 5 bases into the intron after coding-DNA position 336, G replaced by T.
Molecular consequence: intron variant.
Genome position (GRCh38, 1-based): chr18:31,595,260, G>T. VCF-style: chr18-31595260-G-T. GRCh37 (hg19) VCF-style: chr18-29175223-G-T.
Identifiers: ClinVar variation 4722140 (VCV004722140.1).

ClinVar aggregate classification (germline): Uncertain significance (1 of 4 stars; one submission).

Conditions:
Amyloidosis, hereditary systemic 1 (AMYLD1). Also called: AMYLOID CARDIOMYOPATHY; Familial amyloid polyneuropathy; Transthyretin Amyloidosis; Hereditary oculoleptomeningeal amyloid angiopathy; Familial Transthyretin Amyloidosis; Hereditary Transthyretin Amyloidosis. Identifiers: Orphanet 85447, Orphanet 85451, MedGen C2751492, MONDO:0971004, OMIM 105210.

Submission:

Labcorp Genetics (formerly Invitae), Labcorp
Classification: Uncertain significance for Amyloidosis, hereditary systemic 1. Last evaluated: 2025-06-25. Review status: criteria provided, single submitter. Criteria: Invitae Variant Classification Sherloc (09022015). Collection method: clinical testing. Allele origin: germline.
Comment: This sequence change falls in intron 3 of the TTR gene. It does not directly change the encoded amino acid sequence of the TTR protein. It affects a nucleotide within the consensus splice site. This variant is not present in population databases (gnomAD no frequency). This variant has not been reported in the literature in individuals affected with TTR-related conditions. Variants that disrupt the consensus splice site are a relatively common cause of aberrant splicing (PMID: 17576681, 9536098). Algorithms developed to predict the effect of sequence changes on RNA splicing suggest that this variant is not likely to affect RNA splicing. In summary, the available evidence is currently insufficient to determine the role of this variant in disease. Therefore, it has been classified as a Variant of Uncertain Significance.

Literature cited by the submitters: PubMed 17576681; PubMed 9536098.